The following is an entry in ClinVar:

ClinVar aggregate classification (germline): Uncertain significance (1 of 4 stars; one submission).

Allele frequency attached by ClinVar (database versions not stated): gnomAD exomes 0.00001; gnomAD 0.00002.
gnomAD v4.1: 10 of 1,607,580 alleles (0.00062%); highest among the groups gnomAD compares: Non-Finnish European, 0.00085%; no homozygotes.

Submission:

Ambry Genetics
Classification: Uncertain significance. Last evaluated: 2021-10-04. Review status: criteria provided, single submitter. Criteria: Ambry Variant Classification Scheme 2023. Collection method: clinical testing. Allele origin: germline.
Comment: The p.W645C variant (also known as c.1935G>T), located in coding exon 18 of the PRKDC gene, results from a G to T substitution at nucleotide position 1935. The tryptophan at codon 645 is replaced by cysteine, an amino acid with highly dissimilar properties. This amino acid position is conserved. In addition, the in silico prediction for this alteration is inconclusive. Since supporting evidence is limited at this time, the clinical significance of this alteration remains unclear.

NM_006904.7(PRKDC):c.1935G>T (p.Trp645Cys)

Gene: PRKDC (protein kinase, DNA-activated, catalytic subunit; minus strand). Cytogenetic location: 8q11.21.
Variant type: single nucleotide variant.
Coding change: c.1935G>T on transcript NM_006904.7 (MANE Select); coding-DNA position 1935, G replaced by T.
Protein change: p.Trp645Cys; replaces tryptophan 645 with cysteine.
Molecular consequence: missense variant.
Genome position (GRCh38, 1-based): chr8:47,929,970, C>A on the plus strand (G>T on the coding strand, the complement: PRKDC is on the minus strand). VCF-style: chr8-47929970-C-A. GRCh37 (hg19) VCF-style: chr8-48842530-C-A.
Other names: c.1935G>T, p.Trp645Cys (NM_001081640.2); short protein forms W645C.
Identifiers: ClinVar variation 1782958 (VCV001782958.2), dbSNP rs562724337, ClinGen allele CA176164601.